The following is an entry in ClinVar:

NM_001199138.2(NLRC4):c.1573A>G (p.Lys525Glu)

Gene: NLRC4 (NLR family CARD domain containing 4; minus strand). Cytogenetic location: 2p22.3.
Variant type: single nucleotide variant.
Coding change: c.1573A>G on transcript NM_001199138.2 (MANE Select); coding-DNA position 1573, A replaced by G.
Protein change: p.Lys525Glu; replaces lysine 525 with glutamic acid.
Molecular consequence: missense variant. On other transcripts: intron variant (1).
Genome position (GRCh38, 1-based): chr2:32,250,291, T>C on the plus strand (A>G on the coding strand, the complement: NLRC4 is on the minus strand). VCF-style: chr2-32250291-T-C. GRCh37 (hg19) VCF-style: chr2-32475360-T-C.
Other names: c.1573A>G, p.Lys525Glu (NM_001199139.2, NM_021209.5); c.262+2128A>G (NM_001302504.1); short protein forms K525E.
Identifiers: ClinVar variation 2929039 (VCV002929039.3), dbSNP rs766998498, ClinGen allele CA1601962.

ClinVar aggregate classification (germline): Uncertain significance (1 of 4 stars; one submission).

Conditions:
Periodic fever-infantile enterocolitis-autoinflammatory syndrome. Also called: Autoinflammation with infantile enterocolitis. Identifiers: Orphanet 436166, MedGen C4015067, MONDO:0014472, OMIM 616050.
Familial cold autoinflammatory syndrome 4 (FCAS4). Identifiers: Orphanet 47045, Orphanet 576349, MedGen C4015276, MONDO:0014498, OMIM 616115.

Allele frequency attached by ClinVar (database versions not stated): ExAC 0.00001.

Submission:

Labcorp Genetics (formerly Invitae), Labcorp
Classification: Uncertain significance for Periodic fever-infantile enterocolitis-autoinflammatory syndrome; Familial cold autoinflammatory syndrome 4. Last evaluated: 2024-03-10. Review status: criteria provided, single submitter. Criteria: Invitae Variant Classification Sherloc (09022015). Collection method: clinical testing. Allele origin: germline.
Comment: This sequence change replaces lysine, which is basic and polar, with glutamic acid, which is acidic and polar, at codon 525 of the NLRC4 protein (p.Lys525Glu). This variant is present in population databases (rs766998498, gnomAD 0.0009%). This variant has not been reported in the literature in individuals affected with NLRC4-related conditions. Advanced modeling of protein sequence and biophysical properties (such as structural, functional, and spatial information, amino acid conservation, physicochemical variation, residue mobility, and thermodynamic stability) has been performed at Invitae for this missense variant, however the output from this modeling did not meet the statistical confidence thresholds required to predict the impact of this variant on NLRC4 protein function. In summary, the available evidence is currently insufficient to determine the role of this variant in disease. Therefore, it has been classified as a Variant of Uncertain Significance.